The following is an entry in ClinVar:

NM_015338.6(ASXL1):c.1340C>A (p.Pro447His)

Gene: ASXL1 (ASXL transcriptional regulator 1; plus strand). Cytogenetic location: 20q11.21.
Variant type: single nucleotide variant.
Coding change: c.1340C>A on transcript NM_015338.6 (MANE Select); coding-DNA position 1340, C replaced by A.
Protein change: p.Pro447His; replaces proline 447 with histidine.
Molecular consequence: missense variant.
Genome position (GRCh38, 1-based): chr20:32,433,538, C>A. VCF-style: chr20-32433538-C-A. GRCh37 (hg19) VCF-style: chr20-31021341-C-A.
Other names: c.1157C>A, p.Pro386His (NM_001363734.1); short protein forms P386H, P447H.
Identifiers: ClinVar variation 3955008 (VCV003955008.1).

ClinVar aggregate classification (germline): Uncertain significance (1 of 4 stars; one submission).

Conditions:
Inborn genetic diseases. Identifiers: MedGen C0950123, MeSH D030342.

Submission:

Ambry Genetics
Classification: Uncertain significance for Inborn genetic diseases. Last evaluated: 2025-03-20. Review status: criteria provided, single submitter. Criteria: Ambry Variant Classification Scheme 2023. Collection method: clinical testing. Allele origin: germline.
Comment: The p.P447H variant (also known as c.1340C>A), located in coding exon 12 of the ASXL1 gene, results from a C to A substitution at nucleotide position 1340. The proline at codon 447 is replaced by histidine, an amino acid with similar properties. This amino acid position is conserved. In addition, this alteration is predicted to be tolerated by in silico analysis. Based on the available evidence, the clinical significance of this variant remains unclear.